The following is an entry in ClinVar:

NM_052947.4(ALPK2):c.3274G>C (p.Gly1092Arg)

Gene: ALPK2 (alpha kinase 2; minus strand). Cytogenetic location: 18q21.31.
Variant type: single nucleotide variant.
Coding change: c.3274G>C on transcript NM_052947.4 (MANE Select); coding-DNA position 3274, G replaced by C.
Protein change: p.Gly1092Arg; replaces glycine 1092 with arginine.
Molecular consequence: missense variant.
Genome position (GRCh38, 1-based): chr18:58,536,913, C>G on the plus strand (G>C on the coding strand, the complement: ALPK2 is on the minus strand). VCF-style: chr18-58536913-C-G. GRCh37 (hg19) VCF-style: chr18-56204145-C-G.
Other names: short protein forms G1092R.
Identifiers: ClinVar variation 2626039 (VCV002626039.2), dbSNP rs2518876656, ClinGen allele CA402568736.

ClinVar aggregate classification (germline): Uncertain significance (1 of 4 stars; one submission).

Submission:

Ambry Genetics
Classification: Uncertain significance. Last evaluated: 2023-09-01. Review status: criteria provided, single submitter. Criteria: Ambry Variant Classification Scheme 2023. Collection method: clinical testing. Allele origin: germline.
Comment: The p.G1092R variant (also known as c.3274G>C), located in coding exon 4 of the ALPK2 gene, results from a G to C substitution at nucleotide position 3274. The glycine at codon 1092 is replaced by arginine, an amino acid with dissimilar properties. This amino acid position is conserved. In addition, this alteration is predicted to be tolerated by in silico analysis. Since supporting evidence is limited at this time, the clinical significance of this alteration remains unclear.